The following is an entry in ClinVar:

NM_020699.4(GATAD2B):c.1526G>A (p.Arg509Gln)

Gene: GATAD2B (GATA zinc finger domain containing 2B; minus strand). Cytogenetic location: 1q21.3.
Variant type: single nucleotide variant.
Coding change: c.1526G>A on transcript NM_020699.4 (MANE Select); coding-DNA position 1526, G replaced by A.
Protein change: p.Arg509Gln; replaces arginine 509 with glutamine.
Molecular consequence: missense variant.
Genome position (GRCh38, 1-based): chr1:153,812,026, C>T on the plus strand (G>A on the coding strand, the complement: GATAD2B is on the minus strand). VCF-style: chr1-153812026-C-T. GRCh37 (hg19) VCF-style: chr1-153784502-C-T.
Other names: short protein forms R509Q.
Identifiers: ClinVar variation 1481762 (VCV001481762.8), dbSNP rs377502166, ClinGen allele CA30755242.
Genomic context (GRCh38, chr1:153,812,026, plus strand): 5'-GATAAATGGCTGATAAATCTTCTAAAGAAATCAGGATCAGGCAAAAAGTTCCTTACCTGC[C>T]GAAGCGTATGATGTCTCATGATGGTCTCTTGTTTACTGACACTGGACACAGCTGGAGCCG-3'
Protein context (NP_065750.1, residues 499-519): QETIMRHHTL[Arg509Gln]QAPQPQSSLQ

ClinVar aggregate classification (germline): Uncertain significance (1 of 4 stars; one submission).

Allele frequency attached by ClinVar (database versions not stated): gnomAD exomes below 0.00001; gnomAD 0.00001; TOPMed 0.00001; ESP Exome Variant Server 0.00008.
gnomAD v4.1: 3 of 1,590,376 alleles (0.00019%); highest among the groups gnomAD compares: African/African-American, 0.0013%; no homozygotes.

Submission:

Labcorp Genetics (formerly Invitae), Labcorp
Classification: Uncertain significance. Last evaluated: 2022-02-05. Review status: criteria provided, single submitter. Criteria: Invitae Variant Classification Sherloc (09022015). Collection method: clinical testing. Allele origin: germline.
Comment: This sequence change replaces arginine, which is basic and polar, with glutamine, which is neutral and polar, at codon 509 of the GATAD2B protein (p.Arg509Gln). In summary, the available evidence is currently insufficient to determine the role of this variant in disease. Therefore, it has been classified as a Variant of Uncertain Significance. Algorithms developed to predict the effect of missense changes on protein structure and function are either unavailable or do not agree on the potential impact of this missense change (SIFT: "Not Available"; PolyPhen-2: "Benign"; Align-GVGD: "Not Available"). This variant has not been reported in the literature in individuals affected with GATAD2B-related conditions. This variant is present in population databases (rs377502166, gnomAD 0.006%).